The following is an entry in ClinVar:

ClinVar aggregate classification (germline): Uncertain significance (1 of 4 stars; one submission).

gnomAD v4.1: 8 of 1,576,860 alleles (0.00051%); highest among the groups gnomAD compares: Non-Finnish European, 0.00069%; no homozygotes.

Submission:

Labcorp Genetics (formerly Invitae), Labcorp
Classification: Uncertain significance. Last evaluated: 2022-09-06. Review status: criteria provided, single submitter. Criteria: Invitae Variant Classification Sherloc (09022015). Collection method: clinical testing. Allele origin: germline.
Comment: In summary, the available evidence is currently insufficient to determine the role of this variant in disease. Therefore, it has been classified as a Variant of Uncertain Significance. Variants that disrupt the consensus splice site are a relatively common cause of aberrant splicing (PMID: 17576681, 9536098). Algorithms developed to predict the effect of sequence changes on RNA splicing suggest that this variant may disrupt the consensus splice site. Algorithms developed to predict the effect of missense changes on protein structure and function are either unavailable or do not agree on the potential impact of this missense change (SIFT: "Deleterious"; PolyPhen-2: "Probably Damaging"; Align-GVGD: "Class C0"). This variant has not been reported in the literature in individuals affected with SLC25A21-related conditions. The frequency data for this variant in the population databases is considered unreliable, as metrics indicate poor data quality at this position in the gnomAD database. This sequence change replaces glycine, which is neutral and non-polar, with valine, which is neutral and non-polar, at codon 68 of the SLC25A21 protein (p.Gly68Val). This variant also falls at the last nucleotide of exon 3, which is part of the consensus splice site for this exon.

Literature cited by the submitters: PubMed 17576681; PubMed 9536098.

NM_030631.4(SLC25A21):c.203G>T (p.Gly68Val)

Gene: SLC25A21 (solute carrier family 25 member 21; minus strand). Cytogenetic location: 14q13.3.
Variant type: single nucleotide variant.
Coding change: c.203G>T on transcript NM_030631.4 (MANE Select); coding-DNA position 203, G replaced by T.
Protein change: p.Gly68Val; replaces glycine 68 with valine.
Molecular consequence: missense variant.
Genome position (GRCh38, 1-based): chr14:36,813,918, C>A on the plus strand (G>T on the coding strand, the complement: SLC25A21 is on the minus strand). VCF-style: chr14-36813918-C-A. GRCh37 (hg19) VCF-style: chr14-37283123-C-A.
Other names: c.203G>T, p.Gly68Val (NM_001171170.2); short protein forms G68V.
Identifiers: ClinVar variation 1901286 (VCV001901286.5), dbSNP rs141677993, ClinGen allele CA7159410.